The following is an entry in ClinVar:

NM_001252024.2(TRPM1):c.4501C>T (p.Arg1501Cys)

Gene: TRPM1 (transient receptor potential cation channel subfamily M member 1; minus strand). Cytogenetic location: 15q13.3.
Variant type: single nucleotide variant.
Coding change: c.4501C>T on transcript NM_001252024.2 (MANE Select); coding-DNA position 4501, C replaced by T.
Protein change: p.Arg1501Cys; replaces arginine 1501 with cysteine.
Molecular consequence: missense variant.
Genome position (GRCh38, 1-based): chr15:31,002,199, G>A on the plus strand (C>T on the coding strand, the complement: TRPM1 is on the minus strand). VCF-style: chr15-31002199-G-A. GRCh37 (hg19) VCF-style: chr15-31294402-G-A.
Other names: c.4552C>T, p.Arg1518Cys (NM_001252020.2); c.4435C>T, p.Arg1479Cys (NM_002420.6); c.4552C>T (NM_001252020.1); short protein forms R1501C, R1479C, R1518C.
Identifiers: ClinVar variation 887262 (VCV000887262.14), dbSNP rs561717036, ClinGen allele CA7451630.

ClinVar aggregate classification (germline): Conflicting classifications of pathogenicity. Review status: criteria provided, conflicting classifications (1 of 4 stars). 4 submissions from 4 submitters: Uncertain significance (1); Likely benign (2). 1 of the submissions does not count toward it. Last evaluated 2025-05-26.

Conditions:
TRPM1-related disorder. Also called: TRPM1-related condition.
Congenital stationary night blindness 1C. Also called: Night blindness, congenital stationary (complete), 1C, autosomal recessive. Identifiers: Orphanet 215, MedGen C2750747, MONDO:0013183, OMIM 613216.

Allele frequency attached by ClinVar (database versions not stated): gnomAD 0.00002 and 0.00010; TOPMed 0.00006; 1000 Genomes Project 30x 0.00016; 1000 Genomes Project 0.00020; gnomAD exomes 0.00021 and 0.00034; ExAC 0.00039.
gnomAD v4.1: 320 of 1,614,224 alleles (0.02%); highest among the groups gnomAD compares: South Asian, 0.24%; 5 homozygotes.

Submissions (4):

Labcorp Genetics (formerly Invitae), Labcorp
Classification: Likely benign. Last evaluated: 2025-05-26. Review status: criteria provided, single submitter. Criteria: Invitae Variant Classification Sherloc (09022015). Collection method: clinical testing. Allele origin: germline.

Blueprint Genetics
Classification: Likely benign. Last evaluated: 2024-10-11. Review status: criteria provided, single submitter. Criteria: ACMG Guidelines, 2015. Collection method: clinical testing. Allele origin: germline.

Illumina Laboratory Services, Illumina
Classification: Uncertain significance for Congenital stationary night blindness 1C. Last evaluated: 2018-01-12. Review status: criteria provided, single submitter. Criteria: ICSL Variant Classification Criteria 13 December 2019. Collection method: clinical testing. Allele origin: germline.

PreventionGenetics, part of Exact Sciences
Classification: Likely benign for TRPM1-related condition. Last evaluated: 2024-07-05. Review status: no assertion criteria provided. Collection method: clinical testing. Allele origin: germline. Not counted in ClinVar's aggregate classification.
Comment: This variant is classified as likely benign based on ACMG/AMP sequence variant interpretation guidelines (Richards et al. 2015 PMID: 25741868, with internal and published modifications).